The following is an entry in ClinVar:

NM_000443.4(ABCB4):c.3328G>C (p.Ala1110Pro)

Gene: ABCB4 (ATP binding cassette subfamily B member 4; minus strand). Cytogenetic location: 7q21.12.
Variant type: single nucleotide variant.
Coding change: c.3328G>C on transcript NM_000443.4 (MANE Select); coding-DNA position 3328, G replaced by C.
Protein change: p.Ala1110Pro; replaces alanine 1110 with proline.
Molecular consequence: missense variant.
Genome position (GRCh38, 1-based): chr7:87,406,446, C>G on the plus strand (G>C on the coding strand, the complement: ABCB4 is on the minus strand). VCF-style: chr7-87406446-C-G. GRCh37 (hg19) VCF-style: chr7-87035762-C-G.
Other names: c.3349G>C, p.Ala1117Pro (NM_018849.3); c.3187G>C, p.Ala1063Pro (NM_018850.3); short protein forms A1063P, A1110P, A1117P.
Identifiers: ClinVar variation 4846384 (VCV004846384.1).

ClinVar aggregate classification (germline): Uncertain significance (1 of 4 stars; one submission).

Conditions:
Familial intrahepatic cholestasis. Identifiers: Orphanet 284385, MedGen CN296401, MONDO:0017290.

Submission:

Genomenon, Inc
Classification: Uncertain significance for Familial intrahepatic cholestasis. Last evaluated: 2026-04-14. Review status: criteria provided, single submitter. Criteria: Genomenon Sequence Variant Interpretation Standards - Updated. Collection method: curation. Allele origin: germline. Affected: yes.
Comment: ABCB4 p.Ala1110Pro (c.3328G>C) is a missense variant that changes the amino acid at residue 1110 from Alanine to Proline. This variant has been observed in at least one proband with an ABCB4-related disorder (PMID:20422496). It is absent or not present at a significant frequency in gnomAD. In silico models predict that this variant is possibly or probably damaging. In conclusion, we classify ABCB4 p.Ala1110Pro (c.3328G>C) as a variant of uncertain significance.

Literature cited by the submitters: PubMed 20422496.